The following is an entry in ClinVar:

NM_014847.4(UBAP2L):c.2451A>G (p.Val817=)

Gene: UBAP2L (ubiquitin associated protein 2 like; plus strand). Cytogenetic location: 1q21.3.
Variant type: single nucleotide variant.
Coding change: c.2451A>G on transcript NM_014847.4 (MANE Select); coding-DNA position 2451, A replaced by G.
Protein change: p.Val817=; no amino-acid change (valine 817 retained).
Molecular consequence: synonymous variant.
Genome position (GRCh38, 1-based): chr1:154,258,985, A>G. VCF-style: chr1-154258985-A-G. GRCh37 (hg19) VCF-style: chr1-154231461-A-G.
Other names: c.2451A>G, p.Val817= (NM_001127320.3, NM_001375614.1, NM_001375615.1 and 14 more transcripts); c.2430A>G, p.Val810= (NM_001287815.1); c.2484A>G, p.Val828= (NM_001287816.1, NM_001330730.1, NM_001375612.1 and 2 more transcripts).
Identifiers: ClinVar variation 5041124 (VCV005041124.1).
Genomic context (GRCh38, chr1:154,258,985, plus strand): 5'-TTGCTAACATCATGACCAGTTCCTGTTATTGCTATATGTCTGTATCTTTCAGCCACAAGT[A>G]TATGGTTATGATGACTTGCAGATGCTTCAGACAAGATTTCCATTGGTGAGTATGTGGGAT-3'
Protein context (NP_055662.3, residues 807-827): PGLLHAYPPQ[Val817=]YGYDDLQMLQ

ClinVar aggregate classification (germline): Likely benign (1 of 4 stars; one submission).

gnomAD v4.1: 96 of 1,613,980 alleles (0.0059%); highest among the groups gnomAD compares: East Asian, 0.18%; no homozygotes.

Submission:

CeGaT Center for Human Genetics Tuebingen
Classification: Likely benign. Last evaluated: 2026-09-01. Review status: criteria provided, single submitter. Criteria: CeGaT Center For Human Genetics Tuebingen Variant Classification Criteria Version 2. Collection method: clinical testing. Allele origin: germline. Affected: yes. Observed: 1 variant allele.
Comment: UBAP2L: BP4, BP7